The following is an entry in ClinVar:

NM_001363705.2(UBR2):c.1281+1947_1281+1948insATATATATATTTT

Gene: UBR2 (ubiquitin protein ligase E3 component n-recognin 2; plus strand). Cytogenetic location: 6p21.1.
Variant type: Microsatellite.
Coding change: c.1281+1947_1281+1948insATATATATATTTT on transcript NM_001363705.2 (MANE Select); bases 1947 to 1948 of the intron after coding-DNA position 1281, ATATATATATTTT inserted.
Molecular consequence: intron variant.
Genome position: GRCh38 VCF-style: chr6-42619453-A-ATATATATATATTT. GRCh37 (hg19) VCF-style: chr6-42587191-A-ATATATATATATTT.
Other names: c.1281+2116_1281+2117insATATATATATTTT (NM_015255.3); c.1282-14_1282-13insATATATATATTTT (NM_001184801.2).
Identifiers: ClinVar variation 2656555 (VCV002656555.24).
Genomic context (GRCh38, chr6:42,619,453, plus strand): 5'-ATAGTTCTCTCGTTATGAACATATATATATATATATATATATATATATATATATATATAT[A>ATATATATATATTT]TTTTTTTTTTTTAGTTCTCTATCTCTGCTGGGCGCAGTGGCTCACCTCTGTAATCCTAGC-3'

ClinVar aggregate classification (germline): Likely benign (1 of 4 stars; one submission).

Submission:

CeGaT Center for Human Genetics Tuebingen
Classification: Likely benign. Last evaluated: 2023-01-01. Review status: criteria provided, single submitter. Criteria: CeGaT Center For Human Genetics Tuebingen Variant Classification Criteria Version 2. Collection method: clinical testing. Allele origin: germline. Affected: yes. Observed: 3 variant alleles.
Comment: UBR2: BS2